The following is an entry in ClinVar:

NM_002693.3(POLG):c.2557C>G (p.Arg853Gly)

Gene: POLG (DNA polymerase gamma, catalytic subunit; minus strand). Cytogenetic location: 15q26.1.
Variant type: single nucleotide variant.
Coding change: c.2557C>G on transcript NM_002693.3 (MANE Select); coding-DNA position 2557, C replaced by G.
Protein change: p.Arg853Gly; replaces arginine 853 with glycine.
Molecular consequence: missense variant.
Genome position (GRCh38, 1-based): chr15:89,321,777, G>C on the plus strand (C>G on the coding strand, the complement: POLG is on the minus strand). VCF-style: chr15-89321777-G-C. GRCh37 (hg19) VCF-style: chr15-89865008-G-C.
Other names: c.2557C>G, p.Arg853Gly (NM_001126131.2); short protein forms R853G.
Identifiers: ClinVar variation 2778434 (VCV002778434.3), dbSNP rs121918053, ClinGen allele CA393754389.

ClinVar aggregate classification (germline): Likely pathogenic (1 of 4 stars; one submission).

Conditions:
Progressive sclerosing poliodystrophy (MTDPS4A). Also called: ALPERS PROGRESSIVE INFANTILE POLIODYSTROPHY; NEURONAL DEGENERATION OF CHILDHOOD WITH LIVER DISEASE, PROGRESSIVE; Alpers Syndrome; ALPERS DIFFUSE DEGENERATION OF CEREBRAL GRAY MATTER WITH HEPATIC CIRRHOSIS; Alpers-Huttenlocher Syndrome; Mitochondrial DNA Depletion Syndrome 4A. Identifiers: Orphanet 726, MedGen C0205710, MONDO:0008758, OMIM 203700.

gnomAD v4.1: 1 of 1,614,116 alleles (0.000062%); highest among the groups gnomAD compares: Non-Finnish European, 0.000085%; no homozygotes.

Submission:

Labcorp Genetics (formerly Invitae), Labcorp
Classification: Likely pathogenic for Progressive sclerosing poliodystrophy. Last evaluated: 2023-05-16. Review status: criteria provided, single submitter. Criteria: Invitae Variant Classification Sherloc (09022015). Collection method: clinical testing. Allele origin: germline.
Comment: In summary, the currently available evidence indicates that the variant is pathogenic, but additional data are needed to prove that conclusively. Therefore, this variant has been classified as Likely Pathogenic. This variant disrupts the p.Arg853 amino acid residue in POLG. Other variant(s) that disrupt this residue have been determined to be pathogenic (PMID: 18546365, 19478085, 20185557). This suggests that this residue is clinically significant, and that variants that disrupt this residue are likely to be disease-causing. Advanced modeling of protein sequence and biophysical properties (such as structural, functional, and spatial information, amino acid conservation, physicochemical variation, residue mobility, and thermodynamic stability) performed at Invitae indicates that this missense variant is expected to disrupt POLG protein function. This variant has not been reported in the literature in individuals affected with POLG-related conditions. This variant is not present in population databases (gnomAD no frequency). This sequence change replaces arginine, which is basic and polar, with glycine, which is neutral and non-polar, at codon 853 of the POLG protein (p.Arg853Gly).

Literature cited by the submitters: PubMed 18546365; PubMed 19478085; PubMed 20185557.